The following is an entry in ClinVar:

ClinVar aggregate classification (germline): Likely benign. Review status: criteria provided, multiple submitters, no conflicts (2 of 4 stars). 2 submissions from 2 submitters: Likely benign (2). Last evaluated 2022-06-03.

Conditions:
Primary familial polycythemia due to EPO receptor mutation. Also called: Primary Familial Congenital Polycythemia; POLYCYTHEMIA, PRIMARY FAMILIAL AND CONGENITAL; Erythrocytosis, familial, 1; ERYTHROCYTOSIS, SOMATIC. Identifiers: Orphanet 90042, MedGen C4551637, MONDO:0007572, OMIM 133100.

Allele frequency attached by ClinVar (database versions not stated): ExAC 0.00004; gnomAD exomes 0.00004 and 0.00007; gnomAD 0.00005 and 0.00006; TOPMed 0.00007; ESP Exome Variant Server 0.00015.
gnomAD v4.1: 123 of 1,614,002 alleles (0.0076%); highest among the groups gnomAD compares: Non-Finnish European, 0.0091%; no homozygotes.

Submissions (2):

Blueprint Genetics
Classification: Likely benign. Last evaluated: 2022-06-03. Review status: criteria provided, single submitter. Criteria: ACMG Guidelines, 2015. Collection method: clinical testing. Allele origin: germline.

Illumina Laboratory Services, Illumina
Classification: Likely benign for Primary familial polycythemia due to EPO receptor mutation. Last evaluated: 2018-01-13. Review status: criteria provided, single submitter. Criteria: ICSL Variant Classification Criteria 13 December 2019. Collection method: clinical testing. Allele origin: germline.
Comment: This variant was observed in the ICSL laboratory as part of a predisposition screen in an ostensibly healthy population. It had not been previously curated by ICSL or reported in the Human Gene Mutation Database (HGMD: prior to June 1st, 2018), and was therefore a candidate for classification through an automated scoring system. Utilizing variant allele frequency, disease prevalence and penetrance estimates, and inheritance mode, an automated score was calculated to assess if this variant is too frequent to cause the disease. Based on the score and internal cut-off values, a variant classified as likely benign is not then subjected to further curation. The score for this variant resulted in a classification of likely benign for this disease.

NM_000121.4(EPOR):c.1456T>C (p.Ser486Pro)

Gene: EPOR (erythropoietin receptor; minus strand). Cytogenetic location: 19p13.2.
Variant type: single nucleotide variant.
Coding change: c.1456T>C on transcript NM_000121.4 (MANE Select); coding-DNA position 1456, T replaced by C.
Protein change: p.Ser486Pro; replaces serine 486 with proline.
Molecular consequence: missense variant. On other transcripts: non-coding transcript variant (1).
Genome position (GRCh38, 1-based): chr19:11,378,055, A>G on the plus strand (T>C on the coding strand, the complement: EPOR is on the minus strand). VCF-style: chr19-11378055-A-G. GRCh37 (hg19) VCF-style: chr19-11488731-A-G.
Other names: short protein forms S486P.
Identifiers: ClinVar variation 889491 (VCV000889491.5), dbSNP rs370841243, ClinGen allele CA9210509.
Genomic context (GRCh38, chr19:11,378,055, plus strand): 5'-CCACATAGCTGGGGGGCAGAGGCTCAGCGGCTGGGATAAGGCTGTTCTCATAAGGGTTGG[A>G]GTAGGGGCCATCGGATAAGCCCCCTTGGGCTCCCTGGGAGTCCCCTGAGCTGTAGTCAGT-3'
Protein context (NP_000112.1, residues 476-496): AQGGLSDGPY[Ser486Pro]NPYENSLIPA